The following is an entry in ClinVar:

ClinVar aggregate classification (germline): Benign/Likely benign. Review status: criteria provided, multiple submitters, no conflicts (2 of 4 stars). 3 submissions from 3 submitters: Benign (1); Likely benign (2). Last evaluated 2026-04-27.

Conditions:
PIEZO1-related disorder. Also called: PIEZO1-related condition; PIEZO1-Related Disorders.

gnomAD v4.1: 117 of 1,548,948 alleles (0.0076%); highest among the groups gnomAD compares: Admixed American, 0.067%; no homozygotes.

Submissions (3):

Women's Health and Genetics/Laboratory Corporation of America, LabCorp
Classification: Likely benign. Last evaluated: 2026-04-27. Review status: criteria provided, single submitter. Criteria: LabCorp Variant Classification Summary - May 2015. Collection method: clinical testing. Allele origin: germline.

PreventionGenetics, part of Exact Sciences
Classification: Likely benign for PIEZO1-related condition. Last evaluated: 2026-02-06. Review status: criteria provided, single submitter. Criteria: ACMG Guidelines, 2015. Collection method: clinical testing. Allele origin: germline.
Comment: This variant is classified as likely benign based on ACMG/AMP sequence variant interpretation guidelines (Richards et al. 2015 PMID: 25741868, with internal and published modifications).

Labcorp Genetics (formerly Invitae), Labcorp
Classification: Benign. Last evaluated: 2024-04-02. Review status: criteria provided, single submitter. Criteria: Invitae Variant Classification Sherloc (09022015). Collection method: clinical testing. Allele origin: germline.

NM_001142864.4(PIEZO1):c.6801G>A (p.Thr2267=)

Gene: PIEZO1 (piezo type mechanosensitive ion channel component 1 (Er blood group); minus strand). Cytogenetic location: 16q24.3.
Variant type: single nucleotide variant.
Coding change: c.6801G>A on transcript NM_001142864.4 (MANE Select); coding-DNA position 6801, G replaced by A.
Protein change: p.Thr2267=; no amino-acid change (threonine 2267 retained).
Molecular consequence: synonymous variant.
Genome position (GRCh38, 1-based): chr16:88,716,684, C>T on the plus strand (G>A on the coding strand, the complement: PIEZO1 is on the minus strand). VCF-style: chr16-88716684-C-T. GRCh37 (hg19) VCF-style: chr16-88783092-C-T.
Other names: c.6801G>A (NM_001142864.3).
Identifiers: ClinVar variation 3631993 (VCV003631993.3).